The following is an entry in ClinVar:

ClinVar aggregate classification (germline): Benign (1 of 4 stars; one submission).

Conditions:
Familial cancer of breast. Also called: BREAST CANCER, FAMILIAL; Hereditary breast cancer; hereditary breast carcinoma. Identifiers: Orphanet 227535, MedGen C0346153, MONDO:0016419, OMIM 114480. Disease mechanism: loss of function.

Submission:

Myriad Genetics, Inc.
Classification: Benign for Familial cancer of breast. Last evaluated: 2024-04-25. Review status: criteria provided, single submitter. Criteria: Myriad Autosomal Dominant, Autosomal Recessive and X-Linked Classification Criteria (2023). Collection method: clinical testing. Allele origin: unknown.
Comment: This variant is considered benign. This variant is a silent/synonymous amino acid change and it is not expected to impact splicing.

NM_000051.4(ATM):c.1152C>T (p.Cys384=)

Gene: ATM (ATM serine/threonine kinase; plus strand). Cytogenetic location: 11q22.3.
Variant type: single nucleotide variant.
Coding change: c.1152C>T on transcript NM_000051.4 (MANE Select); coding-DNA position 1152, C replaced by T.
Protein change: p.Cys384=; no amino-acid change (cysteine 384 retained).
Molecular consequence: synonymous variant.
Genome position (GRCh38, 1-based): chr11:108,249,019, C>T. VCF-style: chr11-108249019-C-T. GRCh37 (hg19) VCF-style: chr11-108119746-C-T.
Other names: c.1152C>T, p.Cys384= (NM_001351834.2).
Identifiers: ClinVar variation 3254069 (VCV003254069.1), dbSNP rs777755997.